The following is an entry in ClinVar:

ClinVar aggregate classification (germline): Uncertain significance. Review status: criteria provided, multiple submitters, no conflicts (2 of 4 stars). 5 submissions from 5 submitters: Uncertain significance (5). Last evaluated 2026-04-28.

Conditions:
Cystic fibrosis (CF). Also called: MUCOVISCIDOSIS. Identifiers: Orphanet 586, MedGen C0010674, MONDO:0009061, OMIM 219700. Disease mechanism: loss of function.

Allele frequency attached by ClinVar (database versions not stated): ExAC 0.00001; gnomAD exomes 0.00001; gnomAD 0.00001.
gnomAD v4.1: 6 of 1,613,462 alleles (0.00037%); highest among the groups gnomAD compares: Admixed American, 0.0017%; no homozygotes.

Submissions (5):

Women's Health and Genetics/Laboratory Corporation of America, LabCorp
Classification: Uncertain significance. Last evaluated: 2026-04-28. Review status: criteria provided, single submitter. Criteria: LabCorp Variant Classification Summary - May 2015. Collection method: clinical testing. Allele origin: germline.
Comment: Variant summary: CFTR c.3275A>G (p.Tyr1092Cys) results in a non-conservative amino acid change located in the ABC transporter type 1, transmembrane domain (IPR011527) of the encoded protein sequence. Algorithms developed to predict the effect of missense changes on protein structure and function all suggest that this variant is likely to be disruptive. The variant allele was found at a frequency of 8e-06 in 251136 control chromosomes. The available data on variant occurrences in the general population are insufficient to allow any conclusion about variant significance. c.3275A>G has been observed in an individual affected with a CFTR-related disorder, without strong evidence of causality (example: Trujillano_2013). A recent populational study reported that this variant was not significantly enriched in the patient cohort (example: Miko_2021). These reports do not provide unequivocal conclusions about association of the variant with Cystic Fibrosis. To our knowledge, no experimental evidence demonstrating an impact on protein function has been reported. The following publications have been ascertained in the context of this evaluation (PMID: 23687349, 34405919). ClinVar contains an entry for this variant (Variation ID: 500634). Based on the evidence outlined above, the variant was classified as uncertain significance.

Ambry Genetics
Classification: Uncertain significance for Cystic fibrosis. Last evaluated: 2025-09-06. Review status: criteria provided, single submitter. Criteria: Ambry Variant Classification Scheme 2023. Collection method: clinical testing. Allele origin: germline.
Comment: The p.Y1092C variant (also known as c.3275A>G), located in coding exon 20 of the CFTR gene, results from an A to G substitution at nucleotide position 3275. The tyrosine at codon 1092 is replaced by cysteine, an amino acid with highly dissimilar properties. In another study, p.Y1092C was reported in association with CFTR-related disorder (Trujillano D et al. J. Med. Genet. 2013; 50:455-62). This amino acid position is highly conserved in available vertebrate species. In addition, this alteration is predicted to be deleterious by in silico analysis. Since supporting evidence is limited at this time, the clinical significance of this alteration remains unclear.

Labcorp Genetics (formerly Invitae), Labcorp
Classification: Uncertain significance for Cystic fibrosis. Last evaluated: 2022-06-28. Review status: criteria provided, single submitter. Criteria: Invitae Variant Classification Sherloc (09022015). Collection method: clinical testing. Allele origin: germline.
Comment: This sequence change replaces tyrosine, which is neutral and polar, with cysteine, which is neutral and slightly polar, at codon 1092 of the CFTR protein (p.Tyr1092Cys). This variant is present in population databases (rs764434414, gnomAD 0.003%). This missense change has been observed in individual(s) with cystic fibrosis (PMID: 23687349). ClinVar contains an entry for this variant (Variation ID: 500634). Algorithms developed to predict the effect of missense changes on protein structure and function are either unavailable or do not agree on the potential impact of this missense change (SIFT: "Tolerated"; PolyPhen-2: "Probably Damaging"; Align-GVGD: "Class C0"). In summary, the available evidence is currently insufficient to determine the role of this variant in disease. Therefore, it has been classified as a Variant of Uncertain Significance.

Revvity Omics, Revvity
Classification: Uncertain significance. Last evaluated: 2020-11-12. Review status: criteria provided, single submitter. Criteria: ACMG Guidelines, 2015. Collection method: clinical testing. Allele origin: germline.

Eurofins Ntd Llc (ga)
Classification: Uncertain significance. Last evaluated: 2017-03-01. Review status: criteria provided, single submitter. Criteria: EGL Classification Definitions 2015. Collection method: clinical testing. Allele origin: germline. Observed: 1 variant allele, 1 heterozygote.

Literature cited by the submitters: PubMed 23687349 (cited by 3 submitters); PubMed 34405919 (cited by Women's Health and Genetics/Laboratory Corporation of America, LabCorp); PubMed 15046061 (cited by Ambry Genetics); PubMed 32357917 (cited by Ambry Genetics).

NM_000492.4(CFTR):c.3275A>G (p.Tyr1092Cys)

Genes: CFTR (CF transmembrane conductance regulator; plus strand), CFTR-AS2 (CFTR antisense RNA 2; minus strand), LOC111674472 (DNase I hypersensitive sites in introns 16 and 17a of CFTR; plus strand). Cytogenetic location: 7q31.2.
Variant type: single nucleotide variant.
Coding change: c.3275A>G on transcript NM_000492.4 (MANE Select); coding-DNA position 3275, A replaced by G.
Protein change: p.Tyr1092Cys; replaces tyrosine 1092 with cysteine.
Molecular consequence: missense variant.
Genome position (GRCh38, 1-based): chr7:117,611,716, A>G. VCF-style: chr7-117611716-A-G. GRCh37 (hg19) VCF-style: chr7-117251770-A-G.
Other names: short protein forms Y1092C.
Identifiers: ClinVar variation 500634 (VCV000500634.17), dbSNP rs764434414, ClinGen allele CA4451416.